The following is an entry in ClinVar:

NM_032888.4(COL27A1):c.1289del (p.Pro430fs)

Gene: COL27A1 (collagen type XXVII alpha 1 chain; plus strand). Cytogenetic location: 9q32.
Variant type: Deletion.
Coding change: c.1289del on transcript NM_032888.4 (MANE Select); coding-DNA position 1289, one base deleted (C; older notation c.1289delC).
Protein change: p.Pro430fs; shifts the reading frame from proline 430.
Molecular consequence: frameshift variant.
Genome position (GRCh38, 1-based): chr9:114,168,844, C deleted; the last of 3 consecutive C bases (chr9:114,168,842-114,168,844); deleting any one gives the same sequence. VCF-style (leftmost placement, unchanged base first): chr9-114168841-AC-A. GRCh37 (hg19) VCF-style: chr9-116931121-AC-A.
Other names: short protein forms P430fs.
Identifiers: ClinVar variation 1995366 (VCV001995366.4), dbSNP rs2490569167, ClinGen allele CA2579427786.
Genomic context (GRCh38, chr9:114,168,841, plus strand): 5'-CTACTTCCCGTCCAGTTCCTGCCAGAGTCTCCCGTCCCGCAGAGAAGCCCATCCAGAGGA[AC>A]CCGGGAATGCCCAGGCCCCCACCGCCCAGCACCCGGCCCCTACCTCCTACCACCAGCTCC-3'

ClinVar aggregate classification (germline): Pathogenic (1 of 4 stars; one submission).

Submission:

Labcorp Genetics (formerly Invitae), Labcorp
Classification: Pathogenic. Last evaluated: 2022-05-16. Review status: criteria provided, single submitter. Criteria: Invitae Variant Classification Sherloc (09022015). Collection method: clinical testing. Allele origin: germline.
Comment: This variant is not present in population databases (gnomAD no frequency). This variant has not been reported in the literature in individuals affected with COL27A1-related conditions. For these reasons, this variant has been classified as Pathogenic. This sequence change creates a premature translational stop signal (p.Pro430Argfs*28) in the COL27A1 gene. It is expected to result in an absent or disrupted protein product. Loss-of-function variants in COL27A1 are known to be pathogenic (PMID: 24986830, 28276056).

Literature cited by the submitters: PubMed 24986830; PubMed 28276056.